The following continues an entry in ClinVar:

NM_007294.4(BRCA1):c.2002C>T (p.Leu668Phe)

Gene: BRCA1. ClinVar aggregate classification (germline): Benign. Benign (1).

Submissions 23 to 24 of 24:

Department of Pathology and Laboratory Medicine, Sinai Health System
Classification: Likely benign for Malignant tumor of breast. Review status: no assertion criteria provided. Collection method: clinical testing. Allele origin: unknown. Affected: yes. Observed: 1 variant allele. Study: The Canadian Open Genetics Repository (COGR). Not counted in ClinVar's aggregate classification.
Comment: The p.Leu668Phe variant was identified in 11 of 3508 proband chromosomes (frequency: 0.003) from individuals with breast or ovarian cancer and was identified in 3 of 2748 healthy control chromosomes (frequency: 0.001) from these studies (Cvok 2008, Diez 2003, Infante 2006, Osorio 2007, Shattuck-Eidens 1997). The variant was also reported in the following databases: dbSNP (ID: rs80357250) â€šÃ„ÃºWith non-pathogenic alleleâ€šÃ„Ã¹, UMD (2X as an unclassified variant), BIC (25X with unknown clinical importance), and LOVD. The p.Leu668 residue is conserved in mammals; however, computational analyses (PolyPhen2, SIFT, AlignGVGD, BLOSUM) provide inconsistent predictions regarding the impact of the p.Leu668Phe variant to the protein and this information is not very predictive of pathogenicity. In silico studies have either predicted this variant as neutral or close to the neutral threshold (Abkevich 2004, Easton 2007, Lindor 2012, Tavtigian 2006) and Myriad classifies this variant as a polymorphism (personal communication). In summary, based on the above information, the clinical significance of this variant cannot be determined with certainty at this time although we would lean towards a more benign role for this variant. This variant is classified as predicted benign.

Joint Genome Diagnostic Labs from Nijmegen and Maastricht, Radboudumc and MUMC+
Classification: Benign. Review status: no assertion criteria provided. Collection method: clinical testing. Allele origin: germline. Affected: yes. Study: VKGL Data-share Consensus. Not counted in ClinVar's aggregate classification.

Literature cited by the submitters: PubMed 21990134 (cited by Evidence-based Network for the Interpretation of Germline Mutant Alleles (ENIGMA) and Quest Diagnostics Nichols Institute San Juan Capistrano); PubMed 21883705 (cited by Quest Diagnostics Nichols Institute San Juan Capistrano); PubMed 22753008 (cited by Quest Diagnostics Nichols Institute San Juan Capistrano); PubMed 16014699 (cited by Quest Diagnostics Nichols Institute San Juan Capistrano); PubMed 17924331 (cited by Quest Diagnostics Nichols Institute San Juan Capistrano); PubMed 9333265 (cited by Quest Diagnostics Nichols Institute San Juan Capistrano); PubMed 16758124 (cited by Quest Diagnostics Nichols Institute San Juan Capistrano); PubMed 17279547 (cited by Quest Diagnostics Nichols Institute San Juan Capistrano); PubMed 12955716 (cited by Quest Diagnostics Nichols Institute San Juan Capistrano); PubMed 23867111 (cited by Quest Diagnostics Nichols Institute San Juan Capistrano); PubMed 24448499 (cited by Quest Diagnostics Nichols Institute San Juan Capistrano); PubMed 28398198 (cited by Quest Diagnostics Nichols Institute San Juan Capistrano); PubMed 12014998 (cited by Quest Diagnostics Nichols Institute San Juan Capistrano); PubMed 12491499 (cited by Quest Diagnostics Nichols Institute San Juan Capistrano); PubMed 15235020 (cited by Quest Diagnostics Nichols Institute San Juan Capistrano); PubMed 24607278 (cited by Quest Diagnostics Nichols Institute San Juan Capistrano); PubMed 18844490 (cited by Quest Diagnostics Nichols Institute San Juan Capistrano).